The following is an entry in ClinVar:

ClinVar aggregate classification (germline): Uncertain significance (1 of 4 stars; one submission).

Allele frequency attached by ClinVar (database versions not stated): ExAC below 0.00001; gnomAD 0.00001; gnomAD exomes 0.00001.
gnomAD v4.1: 4 of 1,612,494 alleles (0.00025%); highest among the groups gnomAD compares: Non-Finnish European, 0.00034%; no homozygotes.

Submission:

Labcorp Genetics (formerly Invitae), Labcorp
Classification: Uncertain significance. Last evaluated: 2020-08-19. Review status: criteria provided, single submitter. Criteria: Invitae Variant Classification Sherloc (09022015). Collection method: clinical testing. Allele origin: germline.
Comment: Advanced modeling of protein sequence and biophysical properties (such as structural, functional, and spatial information, amino acid conservation, physicochemical variation, residue mobility, and thermodynamic stability) performed at Invitae indicates that this missense variant is not expected to disrupt COL2A1 protein function. In summary, the available evidence is currently insufficient to determine the role of this variant in disease. Therefore, it has been classified as a Variant of Uncertain Significance. This variant has not been reported in the literature in individuals with COL2A1-related conditions. The frequency data for this variant in the population databases is considered unreliable, as metrics indicate poor data quality at this position in the ExAC database. This sequence change replaces glutamine with glutamic acid at codon 851 of the COL2A1 protein (p.Gln851Glu). The glutamine residue is highly conserved and there is a small physicochemical difference between glutamine and glutamic acid.

NM_001844.5(COL2A1):c.2551C>G (p.Gln851Glu)

Gene: COL2A1 (collagen type II alpha 1 chain; minus strand). Cytogenetic location: 12q13.11.
Variant type: single nucleotide variant.
Coding change: c.2551C>G on transcript NM_001844.5 (MANE Select); coding-DNA position 2551, C replaced by G.
Protein change: p.Gln851Glu; replaces glutamine 851 with glutamic acid.
Molecular consequence: missense variant.
Genome position (GRCh38, 1-based): chr12:47,980,628, G>C on the plus strand (C>G on the coding strand, the complement: COL2A1 is on the minus strand). VCF-style: chr12-47980628-G-C. GRCh37 (hg19) VCF-style: chr12-48374411-G-C.
Other names: c.2344C>G, p.Gln782Glu (NM_033150.3); short protein forms Q782E, Q851E.
Identifiers: ClinVar variation 999111 (VCV000999111.8), dbSNP rs776408221, ClinGen allele CA6535056.